The following is an entry in ClinVar:

NM_000059.4(BRCA2):c.3820A>C (p.Lys1274Gln)

Gene: BRCA2 (BRCA2 DNA repair associated; plus strand). Cytogenetic location: 13q13.1.
Variant type: single nucleotide variant.
Coding change: c.3820A>C on transcript NM_000059.4 (MANE Select); coding-DNA position 3820, A replaced by C.
Protein change: p.Lys1274Gln; replaces lysine 1274 with glutamine.
Molecular consequence: missense variant. On other transcripts: non-coding transcript variant (1), intron variant (2).
Genome position (GRCh38, 1-based): chr13:32,338,175, A>C. VCF-style: chr13-32338175-A-C. GRCh37 (hg19) VCF-style: chr13-32912312-A-C.
Other names: c.3820A>C, p.Lys1274Gln (NM_001406719.1, NM_001406720.1, NM_001432077.1); c.1909+4788A>C (NM_001406721.1); c.425-6383A>C (NM_001406722.1); short protein forms K1274Q.
Identifiers: ClinVar variation 4856468 (VCV004856468.1).

ClinVar aggregate classification (germline): Likely benign (1 of 4 stars; one submission).

Conditions:
Breast-ovarian cancer, familial, susceptibility to, 2 (BROVCA2). Also called: BRCA2 Hereditary Breast and Ovarian Cancer. Identifiers: Orphanet 145, MedGen C2675520, MONDO:0012933, OMIM 612555. Disease mechanism: loss of function.

gnomAD v4.1: 1 of 1,575,604 alleles (0.000063%); highest among the groups gnomAD compares: South Asian, 0.0012%; no homozygotes.

Submission:

Cancer Bioinformatics and Tumour Evolution Laboratory, Monash University
Classification: Likely benign for Breast-ovarian cancer, familial, susceptibility to, 2. Last evaluated: 2026-05-01. Review status: criteria provided, single submitter. Criteria: ClinGen BRCA1 and BRCA2 Guidelines, 2024. Collection method: curation. Allele origin: germline. Inheritance: Autosomal dominant inheritance.
Comment: Missense variant outside of a functional domain with no splice impact. BRCA1 and BRCA2 VCEP guidelines recommend application of BP1_Strong (PMID: 39142283)